The following is an entry in ClinVar:

ClinVar aggregate classification (germline): Uncertain significance (1 of 4 stars; one submission).

Conditions:
Distal myopathy with posterior leg and anterior hand involvement. Also called: WILLIAMS DISTAL MYOPATHY. Identifiers: Orphanet 63273, MedGen C3279722, MONDO:0013550, OMIM 614065.
Myofibrillar myopathy 5. Also called: Filaminopathy (type); FILAMINOPATHY, AUTOSOMAL DOMINANT. Identifiers: Orphanet 171445, MedGen C1836050, MONDO:0012289, OMIM 609524.
Hypertrophic cardiomyopathy 26. Also called: Cardiomyopathy, familial hypertrophic, 26. Identifiers: Orphanet 75249, MedGen C4310749, MONDO:0014883, OMIM 617047.

Allele frequency attached by ClinVar (database versions not stated): gnomAD exomes below 0.00001.
gnomAD v4.1: 4 of 1,614,144 alleles (0.00025%); highest among the groups gnomAD compares: Middle Eastern, 0.017%; no homozygotes.

Submission:

Labcorp Genetics (formerly Invitae), Labcorp
Classification: Uncertain significance for Distal myopathy with posterior leg and anterior hand involvement; Myofibrillar myopathy 5; Hypertrophic cardiomyopathy 26. Last evaluated: 2024-09-19. Review status: criteria provided, single submitter. Criteria: Invitae Variant Classification Sherloc (09022015). Collection method: clinical testing. Allele origin: germline.
Comment: This sequence change replaces aspartic acid, which is acidic and polar, with asparagine, which is neutral and polar, at codon 1442 of the FLNC protein (p.Asp1442Asn). This variant is present in population databases (no rsID available, gnomAD 0.0009%). This variant has not been reported in the literature in individuals affected with FLNC-related conditions. ClinVar contains an entry for this variant (Variation ID: 2078199). Invitae Evidence Modeling of protein sequence and biophysical properties (such as structural, functional, and spatial information, amino acid conservation, physicochemical variation, residue mobility, and thermodynamic stability) has been performed for this missense variant. However, the output from this modeling did not meet the statistical confidence thresholds required to predict the impact of this variant on FLNC protein function. In summary, the available evidence is currently insufficient to determine the role of this variant in disease. Therefore, it has been classified as a Variant of Uncertain Significance.

NM_001458.5(FLNC):c.4324G>A (p.Asp1442Asn)

Gene: FLNC (filamin C; plus strand). Cytogenetic location: 7q32.1.
Variant type: single nucleotide variant.
Coding change: c.4324G>A on transcript NM_001458.5 (MANE Select); coding-DNA position 4324, G replaced by A.
Protein change: p.Asp1442Asn; replaces aspartic acid 1442 with asparagine.
Molecular consequence: missense variant.
Genome position (GRCh38, 1-based): chr7:128,847,732, G>A. VCF-style: chr7-128847732-G-A. GRCh37 (hg19) VCF-style: chr7-128487786-G-A.
Other names: c.4324G>A, p.Asp1442Asn (NM_001127487.2); short protein forms D1442N.
Identifiers: ClinVar variation 2078199 (VCV002078199.4), dbSNP rs1267813291, ClinGen allele CA369201185.